The following is an entry in ClinVar:

NM_001134363.3(RBM20):c.2388_2393dup (p.795_796HP[3])

Gene: RBM20 (RNA binding motif protein 20; plus strand). Cytogenetic location: 10q25.2.
Variant type: Duplication.
Coding change: c.2388_2393dup on transcript NM_001134363.3 (MANE Select); coding-DNA positions 2388 to 2393, 6 bases duplicated (CCATCC; older notation c.2388_2393dupCCATCC).
Protein change: p.795_796HP[3].
Molecular consequence: inframe insertion.
Genome position (GRCh38, 1-based): chr10:110,812,785-110,812,790, CCATCC duplicated; duplicating any 6 consecutive bases within chr10:110,812,783-110,812,790 gives the same sequence; the c. name uses the placement nearest the transcript's 3' end. VCF-style (leftmost placement, unchanged base first): chr10-110812782-C-CCCCCAT. GRCh37 (hg19) VCF-style: chr10-112572540-C-CCCCCAT.
Other names: c.2388_2393dupCCATCC (NM_001134363.1).
Identifiers: ClinVar variation 656061 (VCV000656061.9), dbSNP rs1564661327, ClinGen allele CA471507072.
Genomic context (GRCh38, chr10:110,812,782, plus strand): 5'-GCAGGATGCCCCCGGGAGGTCCAGGAGGAAAGACGAGGCCAGGCTGCGGGAAAGCAGACA[C>CCCCCAT]CCCCATCCGGATGACTCAGGCAAGGAAGATGGGCTGGGGCCAAAGGTCACTAGGGCCCCT-3'

ClinVar aggregate classification (germline): Uncertain significance. Review status: criteria provided, multiple submitters, no conflicts (2 of 4 stars). 2 submissions from 2 submitters: Uncertain significance (2). Last evaluated 2025-11-26.

Conditions:
Cardiovascular phenotype. Identifiers: MedGen CN230736.
Dilated cardiomyopathy 1DD (CMD1DD). Identifiers: Orphanet 154, MedGen C2750995, MONDO:0013168, OMIM 613172.

Submissions (2):

Labcorp Genetics (formerly Invitae), Labcorp
Classification: Uncertain significance for Dilated cardiomyopathy 1DD. Last evaluated: 2025-11-26. Review status: criteria provided, single submitter. Criteria: Invitae Variant Classification Sherloc (09022015). Collection method: clinical testing. Allele origin: germline.
Comment: This variant, c.2388_2393dup, results in the insertion of 2 amino acid(s) of the RBM20 protein (p.His797_Pro798dup), but otherwise preserves the integrity of the reading frame. This variant is present in population databases (no rsID available, gnomAD 0.003%). This variant has not been reported in the literature in individuals affected with RBM20-related conditions. ClinVar contains an entry for this variant (Variation ID: 656061). Experimental studies and prediction algorithms are not available or were not evaluated, and the functional significance of this variant is currently unknown. In summary, the available evidence is currently insufficient to determine the role of this variant in disease. Therefore, it has been classified as a Variant of Uncertain Significance.

Ambry Genetics
Classification: Uncertain significance for Cardiovascular phenotype. Last evaluated: 2025-07-03. Review status: criteria provided, single submitter. Criteria: Ambry Variant Classification Scheme 2023. Collection method: clinical testing. Allele origin: germline.
Comment: The c.2388_2393dupCCATCC variant (also known as p.H797_P798dup), located in coding exon 9 of the RBM20 gene, results from an in-frame duplication of CCATCC at nucleotide positions 2388 to 2393. This results in the duplication of 2 extra residues (HP) between codons 797 and 798. These amino acid positions are not well conserved in available vertebrate species. In addition, the in silico prediction for this variant is inconclusive (Choi Y et al. PLoS ONE. 2012; 7(10):e46688). Based on the available evidence, the clinical significance of this variant remains unclear.